The following is an entry in ClinVar:

ClinVar aggregate classification (germline): Uncertain significance (1 of 4 stars; one submission).

Conditions:
Neonatal encephalomyopathy-cardiomyopathy-respiratory distress syndrome. Also called: Coenzyme Q10 deficiency, primary, 7. Identifiers: Orphanet 457185, MedGen C5568562, MONDO:0014562, OMIM 616276.

Submission:

Labcorp Genetics (formerly Invitae), Labcorp
Classification: Uncertain significance for Neonatal encephalomyopathy-cardiomyopathy-respiratory distress syndrome. Last evaluated: 2022-04-21. Review status: criteria provided, single submitter. Criteria: Invitae Variant Classification Sherloc (09022015). Collection method: clinical testing. Allele origin: germline.
Comment: This sequence change affects the initiator methionine of the COQ4 mRNA. The next in-frame methionine is located at codon 25. This variant is not present in population databases (gnomAD no frequency). This variant has not been reported in the literature in individuals affected with COQ4-related conditions. Experimental studies and prediction algorithms are not available or were not evaluated, and the functional significance of this variant is currently unknown. In summary, the available evidence is currently insufficient to determine the role of this variant in disease. Therefore, it has been classified as a Variant of Uncertain Significance.

NM_016035.5(COQ4):c.2T>G (p.Met1Arg)

Gene: COQ4 (coenzyme Q4; plus strand). Cytogenetic location: 9q34.11.
Variant type: single nucleotide variant.
Coding change: c.2T>G on transcript NM_016035.5 (MANE Select); coding-DNA position 2, T replaced by G.
Protein change: p.Met1Arg; changes the start codon (methionine 1).
Molecular consequence: missense variant, initiator codon variant.
Genome position (GRCh38, 1-based): chr9:128,322,860, T>G. VCF-style: chr9-128322860-T-G. GRCh37 (hg19) VCF-style: chr9-131085139-T-G.
Other names: c.2T>G, p.Met1Arg (NM_001305942.2); short protein forms M1R.
Identifiers: ClinVar variation 2128693 (VCV002128693.5), dbSNP rs1255137785, ClinGen allele CA375016928.
Genomic context (GRCh38, chr9:128,322,860, plus strand): 5'-CGCCTGACAGAATCGCGGCGTTCTTCGTACCCGCCCATCCTCCGCGGACGCCCGCTGCCA[T>G]GGCGACTCTGCTGCGCCCTGTCCTCCGTCGGCTCTGCGGGCTCCCGGGCCTACAGCGGCC-3'
Protein context (NP_057119.3, residues 1-11): [Met1Arg]ATLLRPVLRR